The following is an entry in ClinVar:

ClinVar aggregate classification (germline): Uncertain significance. Review status: criteria provided, multiple submitters, no conflicts (2 of 4 stars). 3 submissions from 3 submitters: Uncertain significance (3). Last evaluated 2025-08-10.

Conditions:
Inborn genetic diseases. Identifiers: MedGen C0950123, MeSH D030342.
Progressive sclerosing poliodystrophy (MTDPS4A). Also called: Mitochondrial DNA depletion syndrome 4A (Alpers type); ALPERS PROGRESSIVE INFANTILE POLIODYSTROPHY; NEURONAL DEGENERATION OF CHILDHOOD WITH LIVER DISEASE, PROGRESSIVE; Mitochondrial DNA Depletion Syndrome 4A; Alpers-Huttenlocher Syndrome (AHS); Alpers Syndrome. Identifiers: Orphanet 726, MedGen C0205710, MONDO:0008758, OMIM 203700.

Allele frequency attached by ClinVar (database versions not stated): ExAC 0.00001; gnomAD exomes 0.00002 and 0.00006; TOPMed 0.00002; gnomAD 0.00003.
gnomAD v4.1: 89 of 1,614,036 alleles (0.0055%); highest among the groups gnomAD compares: Non-Finnish European, 0.0074%; no homozygotes.

Submissions (3):

Labcorp Genetics (formerly Invitae), Labcorp
Classification: Uncertain significance for Progressive sclerosing poliodystrophy. Last evaluated: 2025-08-10. Review status: criteria provided, single submitter. Criteria: Invitae Variant Classification Sherloc (09022015). Collection method: clinical testing. Allele origin: germline.
Comment: This sequence change replaces valine, which is neutral and non-polar, with isoleucine, which is neutral and non-polar, at codon 543 of the POLG protein (p.Val543Ile). This variant is present in population databases (rs763775923, gnomAD 0.006%). This variant has not been reported in the literature in individuals affected with POLG-related conditions. ClinVar contains an entry for this variant (Variation ID: 1379685). Invitae Evidence Modeling of protein sequence and biophysical properties (such as structural, functional, and spatial information, amino acid conservation, physicochemical variation, residue mobility, and thermodynamic stability) indicates that this missense variant is not expected to disrupt POLG protein function with a negative predictive value of 95%. In summary, the available evidence is currently insufficient to determine the role of this variant in disease. Therefore, it has been classified as a Variant of Uncertain Significance.

GeneDx
Classification: Uncertain significance. Last evaluated: 2021-09-27. Review status: criteria provided, single submitter. Criteria: GeneDx Variant Classification Process June 2021. Collection method: clinical testing. Allele origin: germline. Affected: yes.
Comment: Not observed at significant frequency in large population cohorts (gnomAD); In silico analysis supports that this missense variant does not alter protein structure/function; Has not been previously published as pathogenic or benign to our knowledge

Ambry Genetics
Classification: Uncertain significance for Inborn genetic diseases. Last evaluated: 2019-06-16. Review status: criteria provided, single submitter. Criteria: Ambry Variant Classification Scheme 2023. Collection method: clinical testing. Allele origin: germline.
Comment: The p.V543I variant (also known as c.1627G>A), located in coding exon 8 of the POLG gene, results from a G to A substitution at nucleotide position 1627. The valine at codon 543 is replaced by isoleucine, an amino acid with highly similar properties. This amino acid position is poorly conserved in available vertebrate species. In addition, this alteration is predicted to be benign by in silico analysis. Since supporting evidence is limited at this time, the clinical significance of this alteration remains unclear.

NM_002693.3(POLG):c.1627G>A (p.Val543Ile)

Gene: POLG (DNA polymerase gamma, catalytic subunit; minus strand). Cytogenetic location: 15q26.1.
Variant type: single nucleotide variant.
Coding change: c.1627G>A on transcript NM_002693.3 (MANE Select); coding-DNA position 1627, G replaced by A.
Protein change: p.Val543Ile; replaces valine 543 with isoleucine.
Molecular consequence: missense variant.
Genome position (GRCh38, 1-based): chr15:89,326,697, C>T on the plus strand (G>A on the coding strand, the complement: POLG is on the minus strand). VCF-style: chr15-89326697-C-T. GRCh37 (hg19) VCF-style: chr15-89869928-C-T.
Other names: c.1627G>A, p.Val543Ile (NM_001126131.2); short protein forms V543I.
Identifiers: ClinVar variation 1379685 (VCV001379685.8), dbSNP rs763775923, ClinGen allele CA7724744.